The following is an entry in ClinVar:

NM_002230.4(JUP):c.2104C>T (p.Arg702Cys)

Gene: JUP (junction plakoglobin; minus strand). Cytogenetic location: 17q21.2.
Variant type: single nucleotide variant.
Coding change: c.2104C>T on transcript NM_002230.4 (MANE Select); coding-DNA position 2104, C replaced by T.
Protein change: p.Arg702Cys; replaces arginine 702 with cysteine.
Molecular consequence: missense variant.
Genome position (GRCh38, 1-based): chr17:41,755,878, G>A on the plus strand (C>T on the coding strand, the complement: JUP is on the minus strand). VCF-style: chr17-41755878-G-A. GRCh37 (hg19) VCF-style: chr17-39912130-G-A.
Other names: c.2104C>T, p.Arg702Cys (NM_001352773.2, NM_001352774.2, NM_001352775.2 and 3 more transcripts); short protein forms R702C.
Identifiers: ClinVar variation 577292 (VCV000577292.12), dbSNP rs545547083, ClinGen allele CA8565003.

ClinVar aggregate classification (germline): Uncertain significance. Review status: criteria provided, multiple submitters, no conflicts (2 of 4 stars). 3 submissions from 3 submitters: Uncertain significance (3). Last evaluated 2024-08-16.

Conditions:
Cardiovascular phenotype. Identifiers: MedGen CN230736.
Arrhythmogenic right ventricular dysplasia 12. Also called: ARRHYTHMOGENIC RIGHT VENTRICULAR DYSPLASIA, FAMILIAL, 12. Identifiers: MedGen C1969081, MONDO:0012684, OMIM 611528.
Naxos disease (NXD). Also called: KERATOSIS PALMOPLANTARIS WITH ARRHYTHMOGENIC CARDIOMYOPATHY; MAL DE NAXOS; PALMOPLANTAR KERATODERMA WITH ARRHYTHMOGENIC RIGHT VENTRICULAR CARDIOMYOPATHY AND WOOLLY HAIR; CARDIOMYOPATHY, ARRHYTHMOGENIC RIGHT VENTRICULAR, WITH SKIN, HAIR, AND NAIL ABNORMALITIES; WOOLLY HAIR, PALMOPLANTAR KERATODERMA, AND CARDIAC ABNORMALITIES. Identifiers: Orphanet 34217, MedGen C1832600, MONDO:0011017, OMIM 601214.

Allele frequency attached by ClinVar (database versions not stated): gnomAD exomes 0.00002; TOPMed 0.00002; ExAC 0.00003; gnomAD 0.00004 and 0.00005; 1000 Genomes Project 30x 0.00016; 1000 Genomes Project 0.00020.
gnomAD v4.1: 18 of 1,609,990 alleles (0.0011%); highest among the groups gnomAD compares: African/African-American, 0.004%; no homozygotes.

Submissions (3):

Blueprint Genetics
Classification: Uncertain significance. Last evaluated: 2024-08-16. Review status: criteria provided, single submitter. Criteria: ACMG Guidelines, 2015. Collection method: clinical testing. Allele origin: germline.

Labcorp Genetics (formerly Invitae), Labcorp
Classification: Uncertain significance for Arrhythmogenic right ventricular dysplasia 12; Naxos disease. Last evaluated: 2021-02-16. Review status: criteria provided, single submitter. Criteria: Invitae Variant Classification Sherloc (09022015). Collection method: clinical testing. Allele origin: germline.
Comment: In summary, the available evidence is currently insufficient to determine the role of this variant in disease. Therefore, it has been classified as a Variant of Uncertain Significance. Algorithms developed to predict the effect of missense changes on protein structure and function do not agree on the potential impact of this missense change (SIFT: "Deleterious"; PolyPhen-2: "Possibly Damaging"; Align-GVGD: "Class C0"). This variant has not been reported in the literature in individuals with JUP-related disease. This variant is present in population databases (rs545547083, ExAC 0.03%). This sequence change replaces arginine with cysteine at codon 702 of the JUP protein (p.Arg702Cys). The arginine residue is moderately conserved and there is a large physicochemical difference between arginine and cysteine.

Ambry Genetics
Classification: Uncertain significance for Cardiovascular phenotype. Last evaluated: 2020-11-17. Review status: criteria provided, single submitter. Criteria: Ambry Variant Classification Scheme 2023. Collection method: clinical testing. Allele origin: germline.
Comment: The p.R702C variant (also known as c.2104C>T), located in coding exon 13 of the JUP gene, results from a C to T substitution at nucleotide position 2104. The arginine at codon 702 is replaced by cysteine, an amino acid with highly dissimilar properties. This amino acid position is highly conserved in available vertebrate species. In addition, the in silico prediction for this alteration is inconclusive. Since supporting evidence is limited at this time, the clinical significance of this alteration remains unclear.